The following is an entry in ClinVar:

ClinVar aggregate classification (germline): Uncertain significance. Review status: criteria provided, multiple submitters, no conflicts (2 of 4 stars). 3 submissions from 3 submitters: Uncertain significance (3). Last evaluated 2025-08-18.

Conditions:
Muscular dystrophy-dystroglycanopathy (congenital with brain and eye anomalies), type A2. Also called: WALKER-WARBURG SYNDROME OR MUSCLE-EYE-BRAIN DISEASE, POMT2-RELATED; MUSCULAR DYSTROPHY-DYSTROGLYCANOPATHY (CONGENITAL WITH BRAIN AND EYE ANOMALIES), TYPE A, 2. Identifiers: Orphanet 588, Orphanet 899, MedGen C3150411, MONDO:0013154, OMIM 613150.
Muscular dystrophy-dystroglycanopathy (congenital with impaired intellectual development), type B, 2. Also called: Muscular dystrophy-dystroglycanopathy (congenital with intellectual disability), type B2; MUSCULAR DYSTROPHY, CONGENITAL, POMT2-RELATED. Identifiers: MedGen C3150416, MONDO:0013160, OMIM 613156.
Autosomal recessive limb-girdle muscular dystrophy type 2N. Also called: MUSCULAR DYSTROPHY-DYSTROGLYCANOPATHY, LIMB-GIRDLE, POMT2-RELATED; Muscular dystrophy-dystroglycanopathy (limb-girdle), type C, 2. Identifiers: Orphanet 206559, MedGen C3150418, MONDO:0013162, OMIM 613158.

Allele frequency attached by ClinVar (database versions not stated): ExAC 0.00002; gnomAD exomes 0.00004; TOPMed 0.00009; gnomAD 0.00008 and 0.00009; 1000 Genomes Project 30x 0.00047; 1000 Genomes Project 0.00040.
gnomAD v4.1: 29 of 1,613,960 alleles (0.0018%); highest among the groups gnomAD compares: African/African-American, 0.028%; no homozygotes.

Submissions (3):

Labcorp Genetics (formerly Invitae), Labcorp
Classification: Uncertain significance for Muscular dystrophy-dystroglycanopathy (congenital with impaired intellectual development), type B, 2; Muscular dystrophy-dystroglycanopathy (congenital with brain and eye anomalies), type A2; Autosomal recessive limb-girdle muscular dystrophy type 2N. Last evaluated: 2025-08-18. Review status: criteria provided, single submitter. Criteria: Invitae Variant Classification Sherloc (09022015). Collection method: clinical testing. Allele origin: germline.
Comment: This sequence change replaces lysine, which is basic and polar, with asparagine, which is neutral and polar, at codon 462 of the POMT2 protein (p.Lys462Asn). This variant is present in population databases (rs567557121, gnomAD 0.04%). This variant has not been reported in the literature in individuals affected with POMT2-related conditions. ClinVar contains an entry for this variant (Variation ID: 595183). Invitae Evidence Modeling of protein sequence and biophysical properties (such as structural, functional, and spatial information, amino acid conservation, physicochemical variation, residue mobility, and thermodynamic stability) indicates that this missense variant is not expected to disrupt POMT2 protein function with a negative predictive value of 95%. In summary, the available evidence is currently insufficient to determine the role of this variant in disease. Therefore, it has been classified as a Variant of Uncertain Significance.

GeneDx
Classification: Uncertain significance. Last evaluated: 2025-04-25. Review status: criteria provided, single submitter. Criteria: GeneDx Variant Classification Process June 2021. Collection method: clinical testing. Allele origin: germline. Affected: yes.
Comment: In silico analysis indicates that this missense variant does not alter protein structure/function; Has not been previously published as pathogenic or benign to our knowledge

Eurofins Ntd Llc (ga)
Classification: Uncertain significance. Last evaluated: 2017-11-29. Review status: criteria provided, single submitter. Criteria: EGL Classification Definitions 2015. Collection method: clinical testing. Allele origin: germline. Observed: 1 variant allele, 1 heterozygote.

NM_013382.7(POMT2):c.1386A>C (p.Lys462Asn)

Gene: POMT2 (protein O-mannosyltransferase 2; minus strand). Cytogenetic location: 14q24.3.
Variant type: single nucleotide variant.
Coding change: c.1386A>C on transcript NM_013382.7 (MANE Select); coding-DNA position 1386, A replaced by C.
Protein change: p.Lys462Asn; replaces lysine 462 with asparagine.
Molecular consequence: missense variant.
Genome position (GRCh38, 1-based): chr14:77,285,579, T>G on the plus strand (A>C on the coding strand, the complement: POMT2 is on the minus strand). VCF-style: chr14-77285579-T-G. GRCh37 (hg19) VCF-style: chr14-77751922-T-G.
Other names: short protein forms K462N.
Identifiers: ClinVar variation 595183 (VCV000595183.13), dbSNP rs567557121, ClinGen allele CA7285865.